The following is an entry in ClinVar:

ClinVar aggregate classification (germline): Uncertain significance (1 of 4 stars; one submission).

Conditions:
Hereditary cancer-predisposing syndrome. Also called: Neoplastic Syndromes, Hereditary; Hereditary Cancer Syndrome; Hereditary neoplastic syndrome; Tumor predisposition. Identifiers: Orphanet 140162, MedGen C0027672, MeSH D009386, MONDO:0015356.

Submission:

Ambry Genetics
Classification: Uncertain significance for Hereditary cancer-predisposing syndrome. Last evaluated: 2026-05-11. Review status: criteria provided, single submitter. Criteria: Ambry Variant Classification Scheme 2023. Collection method: clinical testing. Allele origin: germline.
Comment: The p.N78I variant (also known as c.233A>T), located in coding exon 2 of the FH gene, results from an A to T substitution at nucleotide position 233. The asparagine at codon 78 is replaced by isoleucine, an amino acid with dissimilar properties. This amino acid position is conserved. In addition, this alteration is predicted to be deleterious by in silico analysis. Based on the available evidence, the clinical significance of this variant remains unclear.

NM_000143.4(FH):c.233A>T (p.Asn78Ile)

Gene: FH (fumarate hydratase; minus strand). Cytogenetic location: 1q43.
Variant type: single nucleotide variant.
Coding change: c.233A>T on transcript NM_000143.4 (MANE Select); coding-DNA position 233, A replaced by T.
Protein change: p.Asn78Ile; replaces asparagine 78 with isoleucine.
Molecular consequence: missense variant.
Genome position (GRCh38, 1-based): chr1:241,517,216, T>A on the plus strand (A>T on the coding strand, the complement: FH is on the minus strand). VCF-style: chr1-241517216-T-A. GRCh37 (hg19) VCF-style: chr1-241680516-T-A.
Other names: short protein forms N78I.
Identifiers: ClinVar variation 4871313 (VCV004871313.1).